The following is an entry in ClinVar:

NM_002016.2(FLG):c.2733A>C (p.Ser911=)

Genes: CCDST (cervical cancer associated DHX9 suppressive transcript; plus strand), FLG (filaggrin; minus strand). Cytogenetic location: 1q21.3.
Variant type: single nucleotide variant.
Coding change: c.2733A>C on transcript NM_002016.2 (MANE Select); coding-DNA position 2733, A replaced by C.
Protein change: p.Ser911=; no amino-acid change (serine 911 retained).
Molecular consequence: synonymous variant.
Genome position (GRCh38, 1-based): chr1:152,312,153, T>G on the plus strand (A>C on the coding strand, the complement: FLG is on the minus strand). VCF-style: chr1-152312153-T-G. GRCh37 (hg19) VCF-style: chr1-152284629-T-G.
Identifiers: ClinVar variation 3053838 (VCV003053838.2), dbSNP rs540595062, ClinGen allele CA1107025.

ClinVar aggregate classification (germline): Likely benign (0 of 4 stars; one submission).

Conditions:
FLG-related disorder. Also called: FLG-related condition; FLG-related disorders.

Allele frequency attached by ClinVar (database versions not stated): gnomAD 0.00006; 1000 Genomes Project 30x 0.00016; 1000 Genomes Project 0.00020.
gnomAD v4.1: 53 of 1,603,762 alleles (0.0033%); highest among the groups gnomAD compares: East Asian, 0.034%; no homozygotes.

Submission:

PreventionGenetics, part of Exact Sciences
Classification: Likely benign for FLG-related condition. Last evaluated: 2019-08-19. Review status: no assertion criteria provided. Collection method: clinical testing. Allele origin: germline.
Comment: This variant is classified as likely benign based on ACMG/AMP sequence variant interpretation guidelines (Richards et al. 2015 PMID: 25741868, with internal and published modifications).